The following is an entry in ClinVar:

NM_013254.4(TBK1):c.1757A>T (p.Asp586Val)

Gene: TBK1 (TANK binding kinase 1; plus strand). Cytogenetic location: 12q14.2.
Variant type: single nucleotide variant.
Coding change: c.1757A>T on transcript NM_013254.4 (MANE Select); coding-DNA position 1757, A replaced by T.
Protein change: p.Asp586Val; replaces aspartic acid 586 with valine.
Molecular consequence: missense variant.
Genome position (GRCh38, 1-based): chr12:64,496,403, A>T. VCF-style: chr12-64496403-A-T. GRCh37 (hg19) VCF-style: chr12-64890183-A-T.
Other names: short protein forms D586V.
Identifiers: ClinVar variation 4803067 (VCV004803067.1).

ClinVar aggregate classification (germline): Uncertain significance (1 of 4 stars; one submission).

Conditions:
Frontotemporal dementia and/or amyotrophic lateral sclerosis 4. Also called: FTDALS4. Identifiers: Orphanet 275872, MedGen C4225325, MONDO:0014641, OMIM 616439.

Submission:

Labcorp Genetics (formerly Invitae), Labcorp
Classification: Uncertain significance for Frontotemporal dementia and/or amyotrophic lateral sclerosis 4. Last evaluated: 2025-03-19. Review status: criteria provided, single submitter. Criteria: Invitae Variant Classification Sherloc (09022015). Collection method: clinical testing. Allele origin: germline.
Comment: This sequence change replaces aspartic acid, which is acidic and polar, with valine, which is neutral and non-polar, at codon 586 of the TBK1 protein (p.Asp586Val). This variant is not present in population databases (gnomAD no frequency). This variant has not been reported in the literature in individuals affected with TBK1-related conditions. Invitae Evidence Modeling of protein sequence and biophysical properties (such as structural, functional, and spatial information, amino acid conservation, physicochemical variation, residue mobility, and thermodynamic stability) indicates that this missense variant is not expected to disrupt TBK1 protein function with a negative predictive value of 95%. In summary, the available evidence is currently insufficient to determine the role of this variant in disease. Therefore, it has been classified as a Variant of Uncertain Significance.